The following is an entry in ClinVar:

NM_130468.4(CHST14):c.46G>A (p.Glu16Lys)

Genes: CHST14 (carbohydrate sulfotransferase 14; plus strand), LOC130056851 (ATAC-STARR-seq lymphoblastoid silent region 6336; plus strand). Cytogenetic location: 15q15.1.
Variant type: single nucleotide variant.
Coding change: c.46G>A on transcript NM_130468.4 (MANE Select); coding-DNA position 46, G replaced by A.
Protein change: p.Glu16Lys; replaces glutamic acid 16 with lysine.
Molecular consequence: missense variant.
Genome position (GRCh38, 1-based): chr15:40,471,259, G>A. VCF-style: chr15-40471259-G-A. GRCh37 (hg19) VCF-style: chr15-40763458-G-A.
Other names: p.Glu16Lys; short protein forms E16K.
Identifiers: ClinVar variation 1312378 (VCV001312378.6), dbSNP rs1440845068, ClinGen allele CA391761921.

ClinVar aggregate classification (germline): Uncertain significance. Review status: criteria provided, multiple submitters, no conflicts (2 of 4 stars). 3 submissions from 3 submitters: Uncertain significance (3). Last evaluated 2026-10-15.

Conditions:
Cardiovascular phenotype. Identifiers: MedGen CN230736.

Allele frequency attached by ClinVar (database versions not stated): gnomAD exomes 0.00001; gnomAD 0.00002.

Submissions (3):

GeneDx
Classification: Uncertain significance. Last evaluated: 2026-10-15. Review status: criteria provided, single submitter. Criteria: GeneDx Variant Classification Process June 2021. Collection method: clinical testing. Allele origin: germline.
Comment: Not observed at significant frequency in large population cohorts (gnomAD); In silico analysis suggests that this missense variant does not alter protein structure/function; Has not been previously published as pathogenic or benign to our knowledge

Mayo Clinic Laboratories, Mayo Clinic
Classification: Uncertain significance. Last evaluated: 2025-12-06. Review status: criteria provided, single submitter. Criteria: ACMG Guidelines, 2015. Collection method: clinical testing. Allele origin: germline. Observed: 1 variant allele.
Comment: BP4

Ambry Genetics
Classification: Uncertain significance for Cardiovascular phenotype. Last evaluated: 2024-12-27. Review status: criteria provided, single submitter. Criteria: Ambry Variant Classification Scheme 2023. Collection method: clinical testing. Allele origin: germline.